The following is an entry in ClinVar:

ClinVar aggregate classification (germline): Pathogenic. Review status: criteria provided, single submitter (1 of 4 stars). 2 submissions from 2 submitters: Pathogenic (1). 1 of the submissions does not count toward it. Last evaluated 2024-02-01.

Conditions:
Multiple acyl-CoA dehydrogenase deficiency (MADD). Also called: Glutaric aciduria, type 2; Glutaric Acidemia type 2; ETHYLMALONIC-ADIPICACIDURIA; GA II; Glutaric acidemia type II; GA 2. Identifiers: Orphanet 26791, MedGen C0268596, MONDO:0009282, OMIM 231680.

Allele frequency attached by ClinVar (database versions not stated): TOPMed below 0.00001.
gnomAD v4.1: 1 of 1,611,838 alleles (0.000062%); no homozygotes.

Submissions (2):

Labcorp Genetics (formerly Invitae), Labcorp
Classification: Pathogenic for Multiple acyl-CoA dehydrogenase deficiency. Last evaluated: 2024-02-01. Review status: criteria provided, single submitter. Criteria: Invitae Variant Classification Sherloc (09022015). Collection method: clinical testing. Allele origin: germline.
Comment: This sequence change replaces glycine, which is neutral and non-polar, with arginine, which is basic and polar, at codon 381 of the ETFDH protein (p.Gly381Arg). This variant is not present in population databases (gnomAD no frequency). This missense change has been observed in individual(s) with multiple acyl-CoA dehydrogenase deficiency (PMID: 28388738, 31331668). ClinVar contains an entry for this variant (Variation ID: 522495). Advanced modeling of protein sequence and biophysical properties (such as structural, functional, and spatial information, amino acid conservation, physicochemical variation, residue mobility, and thermodynamic stability) performed at Invitae indicates that this missense variant is expected to disrupt ETFDH protein function with a positive predictive value of 80%. For these reasons, this variant has been classified as Pathogenic.

Bioscientia Institut fuer Medizinische Diagnostik GmbH, Sonic Healthcare
Classification: Likely pathogenic for Multiple acyl-CoA dehydrogenase deficiency. Last evaluated: 2017-09-21. Review status: no assertion criteria provided. Collection method: clinical testing. Allele origin: germline. Affected: yes. Not counted in ClinVar's aggregate classification.

Literature cited by the submitters: PubMed 28388738 (cited by Labcorp Genetics (formerly Invitae), Labcorp); PubMed 31331668 (cited by Labcorp Genetics (formerly Invitae), Labcorp).

NM_004453.4(ETFDH):c.1141G>C (p.Gly381Arg)

Gene: ETFDH (electron transfer flavoprotein dehydrogenase; plus strand). Cytogenetic location: 4q32.1.
Variant type: single nucleotide variant.
Coding change: c.1141G>C on transcript NM_004453.4 (MANE Select); coding-DNA position 1141, G replaced by C.
Protein change: p.Gly381Arg; replaces glycine 381 with arginine.
Molecular consequence: missense variant.
Genome position (GRCh38, 1-based): chr4:158,703,447, G>C. VCF-style: chr4-158703447-G-C. GRCh37 (hg19) VCF-style: chr4-159624599-G-C.
Other names: c.1000G>C, p.Gly334Arg (NM_001281737.2); c.958G>C, p.Gly320Arg (NM_001281738.1); short protein forms G381R, G320R, G334R.
Identifiers: ClinVar variation 522495 (VCV000522495.7), dbSNP rs1466787789, ClinGen allele CA358562756.
Genomic context (GRCh38, chr4:158,703,447, plus strand): 5'-AACTAACAAATGTATTCTGAATCTTTGTTTCCTCAGTCTATACCAAAACTCACCTTTCCT[G>C]GTGGTTTACTAATTGGTTGTAGTCCTGGTTTTATGAATGTTCCCAAGATCAAAGGTACTC-3'
Protein context (NP_004444.2, residues 371-391): FQSIPKLTFP[Gly381Arg]GLLIGCSPGF